The following is an entry in ClinVar:

ClinVar aggregate classification (germline): Uncertain significance (1 of 4 stars; one submission).

Conditions:
Gastrointestinal stromal tumor. Also called: Gastrointestinal stromal tumor, somatic; Gastrointestinal stroma tumor. Identifiers: Orphanet 44890, MedGen C0238198, MeSH D046152, MONDO:0011719, OMIM 606764, HP:0100723.

Allele frequency attached by ClinVar (database versions not stated): gnomAD exomes below 0.00001.
gnomAD v4.1: 3 of 1,612,514 alleles (0.00019%); highest among the groups gnomAD compares: South Asian, 0.0033%; no homozygotes.

Submission:

Labcorp Genetics (formerly Invitae), Labcorp
Classification: Uncertain significance for Gastrointestinal stromal tumor. Last evaluated: 2024-12-23. Review status: criteria provided, single submitter. Criteria: Invitae Variant Classification Sherloc (09022015). Collection method: clinical testing. Allele origin: germline.
Comment: This sequence change replaces threonine, which is neutral and polar, with isoleucine, which is neutral and non-polar, at codon 354 of the KIT protein (p.Thr354Ile). This variant is present in population databases (no rsID available, gnomAD 0.003%). This variant has not been reported in the literature in individuals affected with KIT-related conditions. ClinVar contains an entry for this variant (Variation ID: 1062423). An algorithm developed to predict the effect of missense changes on protein structure and function (PolyPhen-2) suggests that this variant is likely to be disruptive. In summary, the available evidence is currently insufficient to determine the role of this variant in disease. Therefore, it has been classified as a Variant of Uncertain Significance.

NM_000222.3(KIT):c.1061C>T (p.Thr354Ile)

Gene: KIT (KIT proto-oncogene, receptor tyrosine kinase; plus strand). Cytogenetic location: 4q12.
Variant type: single nucleotide variant.
Coding change: c.1061C>T on transcript NM_000222.3 (MANE Select); coding-DNA position 1061, C replaced by T.
Protein change: p.Thr354Ile; replaces threonine 354 with isoleucine.
Molecular consequence: missense variant.
Genome position (GRCh38, 1-based): chr4:54,707,233, C>T. VCF-style: chr4-54707233-C-T. GRCh37 (hg19) VCF-style: chr4-55573399-C-T.
Other names: c.1061C>T, p.Thr354Ile (NM_001093772.2, NM_001385285.1, NM_001385286.1); c.1064C>T, p.Thr355Ile (NM_001385284.1, NM_001385288.1, NM_001385290.1 and 1 more transcripts); short protein forms T354I, T355I.
Identifiers: ClinVar variation 1062423 (VCV001062423.9), dbSNP rs1469004426, ClinGen allele CA356901077.
Genomic context (GRCh38, chr4:54,707,233, plus strand): 5'-TTGTTGAATATGAAGCATTCCCCAAACCTGAACACCAGCAGTGGATCTATATGAACAGAA[C>T]CTTCACTGATAAATGGGAAGATTATCCCAAGTCTGAGAATGAAAGTAATATCAGGTAAGA-3'
Protein context (NP_000213.1, residues 344-364): EHQQWIYMNR[Thr354Ile]FTDKWEDYPK